The following is an entry in ClinVar:

ClinVar aggregate classification (germline): Likely pathogenic (1 of 4 stars; one submission).

Conditions:
Autosomal recessive nonsyndromic hearing loss 3. Also called: NEUROSENSORY NONSYNDROMIC RECESSIVE DEAFNESS 3. Identifiers: Orphanet 90636, MedGen C1838263, MONDO:0010860, OMIM 600316.

Submission:

Institute of Rare Diseases, West China Hospital, Sichuan University
Classification: Likely pathogenic for Autosomal recessive nonsyndromic hearing loss 3. Last evaluated: 2025-01-09. Review status: criteria provided, single submitter. Criteria: ClinGen HL ACMG Specifications v1. Collection method: research. Allele origin: germline. Affected: yes.
Comment: PVS1;PM2_Supporting

NM_016239.4(MYO15A):c.5073del (p.Lys1691fs)

Gene: MYO15A (myosin XVA; plus strand). Cytogenetic location: 17p11.2.
Variant type: Deletion.
Coding change: c.5073del on transcript NM_016239.4 (MANE Select); coding-DNA position 5073, one base deleted (A; older notation c.5073delA).
Protein change: p.Lys1691fs; shifts the reading frame from lysine 1691.
Molecular consequence: frameshift variant.
Genome position (GRCh38, 1-based): chr17:18,138,876, A deleted; the last of 3 consecutive A bases (chr17:18,138,874-18,138,876); deleting any one gives the same sequence. VCF-style (leftmost placement, unchanged base first): chr17-18138873-CA-C. GRCh37 (hg19) VCF-style: chr17-18042187-CA-C.
Other names: short protein forms K1691fs.
Identifiers: ClinVar variation 3601286 (VCV003601286.1).